The following is an entry in ClinVar:

ClinVar aggregate classification (germline): Likely pathogenic. Review status: criteria provided, multiple submitters, no conflicts (2 of 4 stars). 2 submissions from 2 submitters: Likely pathogenic (2). Last evaluated 2024-09-20.

Conditions:
Hereditary hyperinsulinism.

Submissions (2):

Natera, Inc.
Classification: Likely pathogenic for Hereditary hyperinsulinism. Last evaluated: 2024-09-20. Review status: criteria provided, single submitter. Criteria: Natera Variant Classification Schema (03/2026). Collection method: clinical testing. Allele origin: germline.
Comment: The c.4545+1G>C variant in ABCC8 is a canonical splice donor site variant predicted to affect pre-mRNA splicing, which may result in an abnormal transcript and altered protein product. This variant is expected to result in nonsense mediated decay, truncation, or a dysfunctional protein product. This variant is rare in the general population with a frequency below the threshold expected for the associated phenotype(s). Given the available evidence, this variant is classified as Likely Pathogenic.

Labcorp Genetics (formerly Invitae), Labcorp
Classification: Likely pathogenic. Last evaluated: 2022-10-27. Review status: criteria provided, single submitter. Criteria: Invitae Variant Classification Sherloc (09022015). Collection method: clinical testing. Allele origin: germline.
Comment: This sequence change affects a donor splice site in intron 37 of the ABCC8 gene. It is expected to disrupt RNA splicing. Variants that disrupt the donor or acceptor splice site typically lead to a loss of protein function (PMID: 16199547), and loss-of-function variants in ABCC8 are known to be pathogenic (PMID: 20685672, 23345197). This variant is not present in population databases (gnomAD no frequency). Disruption of this splice site has been observed in individual(s) with clinical features of autosomal recessive diffuse or paternally inherited focal hyperinsulinism (PMID: 32027066). This variant is also known as c.4548+1G>C. Algorithms developed to predict the effect of sequence changes on RNA splicing suggest that this variant may disrupt the consensus splice site. In summary, the currently available evidence indicates that the variant is pathogenic, but additional data are needed to prove that conclusively. Therefore, this variant has been classified as Likely Pathogenic.

Literature cited by the submitters: PubMed 16199547 (cited by Labcorp Genetics (formerly Invitae), Labcorp); PubMed 20685672 (cited by Labcorp Genetics (formerly Invitae), Labcorp); PubMed 23345197 (cited by Labcorp Genetics (formerly Invitae), Labcorp); PubMed 32027066 (cited by Labcorp Genetics (formerly Invitae), Labcorp).

NM_000352.6(ABCC8):c.4545+1G>C

Gene: ABCC8 (ATP binding cassette subfamily C member 8; minus strand). Cytogenetic location: 11p15.1.
Variant type: single nucleotide variant.
Coding change: c.4545+1G>C on transcript NM_000352.6 (MANE Select); the canonical splice donor site of the intron after coding-DNA position 4545, G replaced by C.
Molecular consequence: splice donor variant.
Genome position (GRCh38, 1-based): chr11:17,394,265, C>G on the plus strand (G>C on the coding strand, the complement: ABCC8 is on the minus strand). VCF-style: chr11-17394265-C-G. GRCh37 (hg19) VCF-style: chr11-17415812-C-G.
Other names: c.4542+1G>C (NM_001351297.2); c.4545+1G>C (NM_001351296.2, NM_000352.4); c.4611+1G>C (NM_001351295.2); c.4548+1G>C (NM_001287174.3).
Identifiers: ClinVar variation 2810017 (VCV002810017.4), dbSNP rs2496438801, ClinGen allele CA379782618.